The following is an entry in ClinVar:

ClinVar aggregate classification (germline): Uncertain significance (1 of 4 stars; one submission).

Conditions:
Hereditary antithrombin deficiency (AT3D). Also called: Antithrombin deficiency; Reduced antithrombin III activity; Antithrombin III deficiency; Thrombophilia due to antithrombin III deficiency. Identifiers: Orphanet 82, MedGen C0272375, MONDO:0013144, OMIM 613118, HP:0001976.

gnomAD v4.1: 1 of 1,614,172 alleles (0.000062%); no homozygotes.

Submission:

Labcorp Genetics (formerly Invitae), Labcorp
Classification: Uncertain significance for Hereditary antithrombin deficiency. Last evaluated: 2023-12-21. Review status: criteria provided, single submitter. Criteria: Invitae Variant Classification Sherloc (09022015). Collection method: clinical testing. Allele origin: germline.
Comment: This sequence change replaces asparagine, which is neutral and polar, with lysine, which is basic and polar, at codon 428 of the SERPINC1 protein (p.Asn428Lys). This variant is not present in population databases (gnomAD no frequency). This variant has not been reported in the literature in individuals affected with SERPINC1-related conditions. Advanced modeling of protein sequence and biophysical properties (such as structural, functional, and spatial information, amino acid conservation, physicochemical variation, residue mobility, and thermodynamic stability) performed at Invitae indicates that this missense variant is not expected to disrupt SERPINC1 protein function with a negative predictive value of 80%. In summary, the available evidence is currently insufficient to determine the role of this variant in disease. Therefore, it has been classified as a Variant of Uncertain Significance.

NM_000488.4(SERPINC1):c.1284C>G (p.Asn428Lys)

Gene: SERPINC1 (serpin family C member 1; minus strand). Cytogenetic location: 1q25.1.
Variant type: single nucleotide variant.
Coding change: c.1284C>G on transcript NM_000488.4 (MANE Select); coding-DNA position 1284, C replaced by G.
Protein change: p.Asn428Lys; replaces asparagine 428 with lysine.
Molecular consequence: missense variant.
Genome position (GRCh38, 1-based): chr1:173,904,000, G>C on the plus strand (C>G on the coding strand, the complement: SERPINC1 is on the minus strand). VCF-style: chr1-173904000-G-C. GRCh37 (hg19) VCF-style: chr1-173873138-G-C.
Other names: c.1140C>G, p.Asn380Lys (NM_001365052.2); c.1407C>G, p.Asn469Lys (NM_001386302.1); c.1365C>G, p.Asn455Lys (NM_001386303.1); c.1263C>G, p.Asn421Lys (NM_001386304.1); c.1227C>G, p.Asn409Lys (NM_001386305.1); c.1068C>G, p.Asn356Lys (NM_001386306.1); short protein forms N380K, N428K, N455K, N356K, N421K, N409K, N469K.
Identifiers: ClinVar variation 2914566 (VCV002914566.3), dbSNP rs2526542910, ClinGen allele CA343772542.